The following is an entry in ClinVar:

ClinVar aggregate classification (germline): Uncertain significance. Review status: criteria provided, multiple submitters, no conflicts (2 of 4 stars). 4 submissions from 4 submitters: Uncertain significance (4). Last evaluated 2026-01-05.

Conditions:
Hereditary cancer-predisposing syndrome. Also called: Hereditary neoplastic syndrome; Hereditary Cancer Syndrome; Neoplastic Syndromes, Hereditary; Tumor predisposition. Identifiers: Orphanet 140162, MedGen C0027672, MeSH D009386, MONDO:0015356.
Familial adenomatous polyposis 1 (FAP1). Also called: FAMILIAL ADENOMATOUS POLYPOSIS 1, ATTENUATED; POLYPOSIS, ADENOMATOUS INTESTINAL. Identifiers: MedGen C2713442, MONDO:0021056, OMIM 175100. Disease mechanism: loss of function.

Allele frequency attached by ClinVar (database versions not stated): TOPMed below 0.00001.
gnomAD v4.1: 3 of 1,613,908 alleles (0.00019%); highest among the groups gnomAD compares: Non-Finnish European, 0.00025%; no homozygotes.

Submissions (4):

Labcorp Genetics (formerly Invitae), Labcorp
Classification: Uncertain significance for Familial adenomatous polyposis 1. Last evaluated: 2026-01-05. Review status: criteria provided, single submitter. Criteria: Invitae Variant Classification Sherloc (09022015). Collection method: clinical testing. Allele origin: germline.
Comment: This sequence change replaces arginine, which is basic and polar, with histidine, which is basic and polar, at codon 402 of the APC protein (p.Arg402His). This variant is not present in population databases (gnomAD no frequency). This missense change has been observed in individual(s) with breast cancer (PMID: 35534704). ClinVar contains an entry for this variant (Variation ID: 236557). Invitae Evidence Modeling of protein sequence and biophysical properties (such as structural, functional, and spatial information, amino acid conservation, physicochemical variation, residue mobility, and thermodynamic stability) indicates that this missense variant is not expected to disrupt APC protein function with a negative predictive value of 95%. In summary, the available evidence is currently insufficient to determine the role of this variant in disease. Therefore, it has been classified as a Variant of Uncertain Significance.

Ambry Genetics
Classification: Uncertain significance for Hereditary cancer-predisposing syndrome. Last evaluated: 2025-02-07. Review status: criteria provided, single submitter. Criteria: Ambry Variant Classification Scheme 2023. Collection method: clinical testing. Allele origin: germline.
Comment: The p.R402H variant (also known as c.1205G>A), located in coding exon 9 of the APC gene, results from a G to A substitution at nucleotide position 1205. The arginine at codon 402 is replaced by histidine, an amino acid with highly similar properties. This amino acid position is highly conserved in available vertebrate species. In addition, in silico predictors for this gene do not accurately predict pathogenicity. Missense alterations in APC are not a common cause of disease (Spier I et al. Genet Med. 2024 Feb;26(2):100992). Based on the available evidence, the clinical significance of this variant remains unclear.

Baylor Genetics
Classification: Uncertain significance for Familial adenomatous polyposis 1. Last evaluated: 2023-11-15. Review status: criteria provided, single submitter. Criteria: ACMG Guidelines, 2015. Collection method: clinical testing. Allele origin: unknown.

GeneDx
Classification: Uncertain significance. Last evaluated: 2018-03-15. Review status: criteria provided, single submitter. Criteria: GeneDx Variant Classification (06012015). Collection method: clinical testing. Allele origin: germline. Affected: yes.
Comment: This variant is denoted APC c.1205G>A at the cDNA level, p.Arg402His (R402H) at the protein level, and results in the change of an Arginine to a Histidine (CGT>CAT). This variant has not, to our knowledge, been published in the literature as pathogenic or benign. APC Arg402His was not observed in large population cohorts (Lek 2016). This variant is not located in a known functional domain. In silico analysis, which includes protein predictors and evolutionary conservation, supports a deleterious effect. Based on currently available evidence, it is unclear whether APC Arg402His is a pathogenic or benign variant. We consider it to be a variant of uncertain significance.

Literature cited by the submitters: PubMed 35534704 (cited by Labcorp Genetics (formerly Invitae), Labcorp).

NM_000038.6(APC):c.1205G>A (p.Arg402His)

Gene: APC (APC regulator of Wnt signaling pathway; plus strand). Cytogenetic location: 5q22.2.
Variant type: single nucleotide variant.
Coding change: c.1205G>A on transcript NM_000038.6 (MANE Select); coding-DNA position 1205, G replaced by A.
Protein change: p.Arg402His; replaces arginine 402 with histidine.
Molecular consequence: missense variant. On other transcripts: intron variant (4).
Genome position (GRCh38, 1-based): chr5:112,819,237, G>A. VCF-style: chr5-112819237-G-A. GRCh37 (hg19) VCF-style: chr5-112154934-G-A.
Other names: c.1205G>A, p.Arg402His (NM_001127510.3, NM_001354895.2, NM_001354896.2); c.1151G>A, p.Arg384His (NM_001127511.3); c.1235G>A, p.Arg412His (NM_001354897.2); c.1130G>A, p.Arg377His (NM_001354898.2); c.1121G>A, p.Arg374His (NM_001354899.2); c.1028G>A, p.Arg343His (NM_001354900.2, NM_001354901.2); c.356G>A, p.Arg119His (NM_001354906.2); c.964-32G>A (NM_001354902.2); and 3 more; short protein forms R384H, R402H, R412H, R343H, R374H, R377H, R119H.
Identifiers: ClinVar variation 236557 (VCV000236557.16), dbSNP rs878853416, ClinGen allele CA10582286.
Genomic context (GRCh38, chr5:112,819,237, plus strand): 5'-GGGCCAGTGCAGCACTCCACAACATCATTCACTCACAGCCTGATGACAAGAGAGGCAGGC[G>A]TGAAATCCGAGTCCTTCATCTTTTGGAACAGATACGCGCTTACTGTGAAACCTGTTGGGA-3'
Protein context (NP_000029.2, residues 392-412): HSQPDDKRGR[Arg402His]EIRVLHLLEQ